The following is an entry in ClinVar:

ClinVar aggregate classification (germline): Uncertain significance. Review status: criteria provided, multiple submitters, no conflicts (2 of 4 stars). 2 submissions from 2 submitters: Uncertain significance (2). Last evaluated 2024-04-18.

Conditions:
Hereditary cancer-predisposing syndrome. Also called: Tumor predisposition; Hereditary Cancer Syndrome; Hereditary neoplastic syndrome; Neoplastic Syndromes, Hereditary. Identifiers: Orphanet 140162, MedGen C0027672, MeSH D009386, MONDO:0015356.
Breast-ovarian cancer, familial, susceptibility to, 4. Identifiers: Orphanet 145, MedGen C3280345, MONDO:0013669, OMIM 614291.

Allele frequency attached by ClinVar (database versions not stated): ExAC 0.00001.

Submissions (2):

Labcorp Genetics (formerly Invitae), Labcorp
Classification: Uncertain significance for Breast-ovarian cancer, familial, susceptibility to, 4. Last evaluated: 2024-04-18. Review status: criteria provided, single submitter. Criteria: Invitae Variant Classification Sherloc (09022015). Collection method: clinical testing. Allele origin: germline.
Comment: This sequence change replaces arginine, which is basic and polar, with serine, which is neutral and polar, at codon 259 of the RAD51D protein (p.Arg259Ser). This variant is present in population databases (rs746648511, gnomAD 0.006%). This variant has not been reported in the literature in individuals affected with RAD51D-related conditions. ClinVar contains an entry for this variant (Variation ID: 2625295). Advanced modeling of protein sequence and biophysical properties (such as structural, functional, and spatial information, amino acid conservation, physicochemical variation, residue mobility, and thermodynamic stability) performed at Invitae indicates that this missense variant is not expected to disrupt RAD51D protein function with a negative predictive value of 80%. In summary, the available evidence is currently insufficient to determine the role of this variant in disease. Therefore, it has been classified as a Variant of Uncertain Significance.

Ambry Genetics
Classification: Uncertain significance for Hereditary cancer-predisposing syndrome. Last evaluated: 2023-07-12. Review status: criteria provided, single submitter. Criteria: Ambry Variant Classification Scheme 2023. Collection method: clinical testing. Allele origin: germline.
Comment: The p.R259S variant (also known as c.777G>T), located in coding exon 9 of the RAD51D gene, results from a G to T substitution at nucleotide position 777. The arginine at codon 259 is replaced by serine, an amino acid with dissimilar properties. This amino acid position is conserved. In addition, this alteration is predicted to be tolerated by in silico analysis. Since supporting evidence is limited at this time, the clinical significance of this alteration remains unclear.

NM_002878.4(RAD51D):c.777G>T (p.Arg259Ser)

Genes: RAD51D (RAD51 paralog D; minus strand), RAD51L3-RFFL (RAD51L3-RFFL readthrough; minus strand). Cytogenetic location: 17q12.
Variant type: single nucleotide variant.
Coding change: c.777G>T on transcript NM_002878.4 (MANE Select); coding-DNA position 777, G replaced by T.
Protein change: p.Arg259Ser; replaces arginine 259 with serine.
Molecular consequence: missense variant. On other transcripts: non-coding transcript variant (3).
Genome position (GRCh38, 1-based): chr17:35,101,327, C>A on the plus strand (G>T on the coding strand, the complement: RAD51D is on the minus strand). VCF-style: chr17-35101327-C-A. GRCh37 (hg19) VCF-style: chr17-33428346-C-A.
Other names: c.837G>T, p.Arg279Ser (NM_001142571.2); c.441G>T, p.Arg147Ser (NM_133629.3); short protein forms R279S, R147S, R259S.
Identifiers: ClinVar variation 2625295 (VCV002625295.4), dbSNP rs746648511, ClinGen allele CA8499343.